The following is an entry in ClinVar:

NM_000540.3(RYR1):c.3920C>T (p.Thr1307Ile)

Gene: RYR1 (ryanodine receptor 1; plus strand). Cytogenetic location: 19q13.2.
Variant type: single nucleotide variant.
Coding change: c.3920C>T on transcript NM_000540.3 (MANE Select); coding-DNA position 3920, C replaced by T.
Protein change: p.Thr1307Ile; replaces threonine 1307 with isoleucine.
Molecular consequence: missense variant.
Genome position (GRCh38, 1-based): chr19:38,473,531, C>T. VCF-style: chr19-38473531-C-T. GRCh37 (hg19) VCF-style: chr19-38964171-C-T.
Other names: c.3920C>T, p.Thr1307Ile (NM_001042723.2); short protein forms T1307I.
Identifiers: ClinVar variation 938405 (VCV000938405.7), dbSNP rs1968543733, ClinGen allele CA405642135.
Genomic context (GRCh38, chr19:38,473,531, plus strand): 5'-TCCTGCGGCTGAGCCTCCCAGTCCAGTTCCACCAGCACTTCCGCTGCACTGCAGGGGCCA[C>T]CCCGCTGGCACCTCCTGGCCTGCAGCCCCCCGCCGAGGACGAGGCCCGGGCGGCGGAACC-3'
Protein context (NP_000531.2, residues 1297-1317): HQHFRCTAGA[Thr1307Ile]PLAPPGLQPP

ClinVar aggregate classification (germline): Uncertain significance (1 of 4 stars; one submission).

Conditions:
RYR1-related disorder. Also called: RYR1-related disorders; RYR1-related condition. Identifiers: MedGen CN239331.

Submission:

Labcorp Genetics (formerly Invitae), Labcorp
Classification: Uncertain significance for RYR1-related disorder. Last evaluated: 2022-09-27. Review status: criteria provided, single submitter. Criteria: Invitae Variant Classification Sherloc (09022015). Collection method: clinical testing. Allele origin: germline.
Comment: This sequence change replaces threonine, which is neutral and polar, with isoleucine, which is neutral and non-polar, at codon 1307 of the RYR1 protein (p.Thr1307Ile). This variant is not present in population databases (gnomAD no frequency). This variant has not been reported in the literature in individuals affected with RYR1-related conditions. ClinVar contains an entry for this variant (Variation ID: 938405). Advanced modeling of protein sequence and biophysical properties (such as structural, functional, and spatial information, amino acid conservation, physicochemical variation, residue mobility, and thermodynamic stability) has been performed at Invitae for this missense variant, however the output from this modeling did not meet the statistical confidence thresholds required to predict the impact of this variant on RYR1 protein function. In summary, the available evidence is currently insufficient to determine the role of this variant in disease. Therefore, it has been classified as a Variant of Uncertain Significance.